The following is an entry in ClinVar:

NM_001093.4(ACACB):c.*9C>T

Gene: ACACB (acetyl-CoA carboxylase beta; plus strand). Cytogenetic location: 12q24.11.
Variant type: single nucleotide variant.
Coding change: c.*9C>T on transcript NM_001093.4 (MANE Select); 9 bases downstream of the stop codon, C replaced by T.
Molecular consequence: 3 prime UTR variant.
Genome position (GRCh38, 1-based): chr12:109,266,371, C>T. VCF-style: chr12-109266371-C-T. GRCh37 (hg19) VCF-style: chr12-109704176-C-T.
Other names: c.*9C>T (NM_001412734.1, NM_001412735.1, NM_001412736.1 and 2 more transcripts).
Identifiers: ClinVar variation 3041785 (VCV003041785.2), dbSNP rs201391430, ClinGen allele CA6775470.

ClinVar aggregate classification (germline): Likely benign (0 of 4 stars; one submission).

Conditions:
ACACB-related disorder. Also called: ACACB-related condition.

Allele frequency attached by ClinVar (database versions not stated): 1000 Genomes Project 0.00040; ExAC 0.00040; 1000 Genomes Project 30x 0.00047; gnomAD 0.00050; ESP Exome Variant Server 0.00054; TOPMed 0.00058; gnomAD exomes 0.00059.
gnomAD v4.1: 926 of 1,598,668 alleles (0.058%); highest among the groups gnomAD compares: Admixed American, 0.079%; 2 homozygotes.

Submission:

PreventionGenetics, part of Exact Sciences
Classification: Likely benign for ACACB-related condition. Last evaluated: 2019-07-11. Review status: no assertion criteria provided. Collection method: clinical testing. Allele origin: germline.
Comment: This variant is classified as likely benign based on ACMG/AMP sequence variant interpretation guidelines (Richards et al. 2015 PMID: 25741868, with internal and published modifications).